The following is an entry in ClinVar:

ClinVar aggregate classification (germline): Uncertain significance (1 of 4 stars; one submission).

Conditions:
Familial cancer of breast. Also called: Hereditary breast cancer; hereditary breast carcinoma; BREAST CANCER, FAMILIAL. Identifiers: Orphanet 227535, MedGen C0346153, MONDO:0016419, OMIM 114480. Disease mechanism: loss of function.

Submission:

Centre for Mendelian Genomics, University Medical Centre Ljubljana
Classification: Uncertain significance for Familial cancer of breast. Last evaluated: 2019-10-22. Review status: criteria provided, single submitter. Criteria: ACMG Guidelines, 2015. Collection method: clinical testing. Allele origin: unknown. Affected: yes.
Comment: This variant was classified as: Uncertain significance. The available evidence on this variant's pathogenicity is insufficient or conflicting. The following ACMG criteria were applied in classifying this variant: PM2,PM6,BP1.

NM_003620.4(PPM1D):c.1640T>A (p.Met547Lys)

Gene: PPM1D (protein phosphatase, Mg2+/Mn2+ dependent 1D; plus strand). Cytogenetic location: 17q23.2.
Variant type: single nucleotide variant.
Coding change: c.1640T>A on transcript NM_003620.4 (MANE Select); coding-DNA position 1640, T replaced by A.
Protein change: p.Met547Lys; replaces methionine 547 with lysine.
Molecular consequence: missense variant.
Genome position (GRCh38, 1-based): chr17:60,663,374, T>A. VCF-style: chr17-60663374-T-A. GRCh37 (hg19) VCF-style: chr17-58740735-T-A.
Other names: short protein forms M547K.
Identifiers: ClinVar variation 931776 (VCV000931776.4), dbSNP rs2031565605, ClinGen allele CA400458630.
Genomic context (GRCh38, chr17:60,663,374, plus strand): 5'-AAAGAACCCCTCCAACAAACTTTAAAAGGACATTAGAAGAGTCCAATTCTGGCCCCCTGA[T>A]GAAGAAGCATAGACGAAATGGCTTAAGTCGAAGTAGTGGTGCTCAGCCTGCAAGTCTCCC-3'
Protein context (NP_003611.1, residues 537-557): TLEESNSGPL[Met547Lys]KKHRRNGLSR